The following is an entry in ClinVar:

NM_003816.3(ADAM9):c.2074A>G (p.Asn692Asp)

Gene: ADAM9 (ADAM metallopeptidase domain 9; plus strand). Cytogenetic location: 8p11.22.
Variant type: single nucleotide variant.
Coding change: c.2074A>G on transcript NM_003816.3 (MANE Select); coding-DNA position 2074, A replaced by G.
Protein change: p.Asn692Asp; replaces asparagine 692 with aspartic acid.
Molecular consequence: missense variant. On other transcripts: non-coding transcript variant (2).
Genome position (GRCh38, 1-based): chr8:39,090,052, A>G. VCF-style: chr8-39090052-A-G. GRCh37 (hg19) VCF-style: chr8-38947571-A-G.
Other names: c.2074A>G (NM_003816.2); short protein forms N692D.
Identifiers: ClinVar variation 1356519 (VCV001356519.9), dbSNP rs201381097, ClinGen allele CA370749243.

ClinVar aggregate classification (germline): Uncertain significance. Review status: criteria provided, multiple submitters, no conflicts (2 of 4 stars). 2 submissions from 2 submitters: Uncertain significance (2). Last evaluated 2025-09-26.

Conditions:
Inborn genetic diseases. Identifiers: MedGen C0950123, MeSH D030342.

gnomAD v4.1: 4 of 1,613,876 alleles (0.00025%); highest among the groups gnomAD compares: Non-Finnish European, 0.00034%; no homozygotes.

Submissions (2):

Ambry Genetics
Classification: Uncertain significance for Inborn genetic diseases. Last evaluated: 2025-09-26. Review status: criteria provided, single submitter. Criteria: Ambry Variant Classification Scheme 2023. Collection method: clinical testing. Allele origin: germline.

Labcorp Genetics (formerly Invitae), Labcorp
Classification: Uncertain significance. Last evaluated: 2022-10-05. Review status: criteria provided, single submitter. Criteria: Invitae Variant Classification Sherloc (09022015). Collection method: clinical testing. Allele origin: germline.
Comment: This variant has not been reported in the literature in individuals affected with ADAM9-related conditions. This variant is not present in population databases (gnomAD no frequency). This sequence change replaces asparagine, which is neutral and polar, with aspartic acid, which is acidic and polar, at codon 692 of the ADAM9 protein (p.Asn692Asp). In summary, the available evidence is currently insufficient to determine the role of this variant in disease. Therefore, it has been classified as a Variant of Uncertain Significance. Advanced modeling of protein sequence and biophysical properties (such as structural, functional, and spatial information, amino acid conservation, physicochemical variation, residue mobility, and thermodynamic stability) performed at Invitae indicates that this missense variant is not expected to disrupt ADAM9 protein function. ClinVar contains an entry for this variant (Variation ID: 1356519).